The following is an entry in ClinVar:

ClinVar aggregate classification (germline): Uncertain significance. Review status: criteria provided, multiple submitters, no conflicts (2 of 4 stars). 2 submissions from 2 submitters: Uncertain significance (2). Last evaluated 2025-10-31.

Conditions:
Hereditary cancer-predisposing syndrome. Also called: Neoplastic Syndromes, Hereditary; Hereditary Cancer Syndrome; Tumor predisposition; Hereditary neoplastic syndrome. Identifiers: Orphanet 140162, MedGen C0027672, MeSH D009386, MONDO:0015356.

Submissions (2):

Labcorp Genetics (formerly Invitae), Labcorp
Classification: Uncertain significance. Last evaluated: 2025-10-31. Review status: criteria provided, single submitter. Criteria: Invitae Variant Classification Sherloc (09022015). Collection method: clinical testing. Allele origin: germline.
Comment: This sequence change replaces isoleucine, which is neutral and non-polar, with valine, which is neutral and non-polar, at codon 1358 of the POLE protein (p.Ile1358Val). This variant is not present in population databases (gnomAD no frequency). This variant has not been reported in the literature in individuals affected with POLE-related conditions. ClinVar contains an entry for this variant (Variation ID: 945423). Invitae Evidence Modeling of protein sequence and biophysical properties (such as structural, functional, and spatial information, amino acid conservation, physicochemical variation, residue mobility, and thermodynamic stability) indicates that this missense variant is not expected to disrupt POLE protein function with a negative predictive value of 80%. In summary, the available evidence is currently insufficient to determine the role of this variant in disease. Therefore, it has been classified as a Variant of Uncertain Significance.

Ambry Genetics
Classification: Uncertain significance for Hereditary cancer-predisposing syndrome. Last evaluated: 2024-06-12. Review status: criteria provided, single submitter. Criteria: Ambry Variant Classification Scheme 2023. Collection method: clinical testing. Allele origin: germline.
Comment: The p.I1358V variant (also known as c.4072A>G), located in coding exon 32 of the POLE gene, results from an A to G substitution at nucleotide position 4072. The isoleucine at codon 1358 is replaced by valine, an amino acid with highly similar properties. This amino acid position is conserved. In addition, this alteration is predicted to be tolerated by in silico analysis. Since supporting evidence is limited at this time, the clinical significance of this alteration remains unclear.

NM_006231.4(POLE):c.4072A>G (p.Ile1358Val)

Gene: POLE (DNA polymerase epsilon, catalytic subunit; minus strand). Cytogenetic location: 12q24.33.
Variant type: single nucleotide variant.
Coding change: c.4072A>G on transcript NM_006231.4 (MANE Select); coding-DNA position 4072, A replaced by G.
Protein change: p.Ile1358Val; replaces isoleucine 1358 with valine.
Molecular consequence: missense variant.
Genome position (GRCh38, 1-based): chr12:132,649,006, T>C on the plus strand (A>G on the coding strand, the complement: POLE is on the minus strand). VCF-style: chr12-132649006-T-C. GRCh37 (hg19) VCF-style: chr12-133225592-T-C.
Other names: short protein forms I1358V.
Identifiers: ClinVar variation 945423 (VCV000945423.13), dbSNP rs2042352699, ClinGen allele CA387383816.